The following is an entry in ClinVar:

NM_015164.4(PLEKHM2):c.779C>G (p.Ala260Gly)

Gene: PLEKHM2 (pleckstrin homology and RUN domain containing M2; plus strand). Cytogenetic location: 1p36.21.
Variant type: single nucleotide variant.
Coding change: c.779C>G on transcript NM_015164.4 (MANE Select); coding-DNA position 779, C replaced by G.
Protein change: p.Ala260Gly; replaces alanine 260 with glycine.
Molecular consequence: missense variant.
Genome position (GRCh38, 1-based): chr1:15,725,383, C>G. VCF-style: chr1-15725383-C-G. GRCh37 (hg19) VCF-style: chr1-16051878-C-G.
Other names: c.719C>G, p.Ala240Gly (NM_001410755.1); short protein forms A240G, A260G.
Identifiers: ClinVar variation 2692766 (VCV002692766.3), dbSNP rs1478279444, ClinGen allele CA338582821.

ClinVar aggregate classification (germline): Uncertain significance (1 of 4 stars; one submission).

Submission:

Labcorp Genetics (formerly Invitae), Labcorp
Classification: Uncertain significance. Last evaluated: 2023-11-02. Review status: criteria provided, single submitter. Criteria: Invitae Variant Classification Sherloc (09022015). Collection method: clinical testing. Allele origin: germline.
Comment: This sequence change replaces alanine, which is neutral and non-polar, with glycine, which is neutral and non-polar, at codon 260 of the PLEKHM2 protein (p.Ala260Gly). This variant is not present in population databases (gnomAD no frequency). This variant has not been reported in the literature in individuals affected with PLEKHM2-related conditions. An algorithm developed to predict the effect of missense changes on protein structure and function (PolyPhen-2) suggests that this variant is likely to be tolerated. In summary, the available evidence is currently insufficient to determine the role of this variant in disease. Therefore, it has been classified as a Variant of Uncertain Significance.